The following is an entry in ClinVar:

ClinVar aggregate classification (germline): Uncertain significance (1 of 4 stars; one submission).

Conditions:
POLD1-related polyposis and colorectal cancer syndrome (CRCS10). Also called: Colorectal cancer 10; COLORECTAL CANCER, SUSCEPTIBILITY TO, ON CHROMOSOME 19q; Colorectal cancer, susceptibility to, 10. Identifiers: Orphanet 220460, MedGen C2675481, MONDO:0012953, OMIM 612591.

Submission:

Labcorp Genetics (formerly Invitae), Labcorp
Classification: Uncertain significance for POLD1-related polyposis and colorectal cancer syndrome. Last evaluated: 2021-04-23. Review status: criteria provided, single submitter. Criteria: Invitae Variant Classification Sherloc (09022015). Collection method: clinical testing. Allele origin: germline.
Comment: Missense variants that disrupt the 3'-5' exonuclease (proof-reading) activity of the POLD1 protein are associated with an increased risk for colonic adenomatous polyps and colon cancer (PMID: 23263490, 23447401). However, loss-of-function variants which result in an absent or severely disrupted POLD1 protein, and missense variants outside the exonuclease domain, are unlikely to be associated with polyposis or colon cancer. Without further clinical and genetic evidence, this variant has been classified as a Variant of Uncertain Significance. This variant has not been reported in the literature in individuals with POLD1-related conditions. This variant is not present in population databases (ExAC no frequency). This sequence change creates a premature translational stop signal (p.Gln90Argfs*79) in the POLD1 gene. It is expected to result in an absent or disrupted protein product.

Literature cited by the submitters: PubMed 23263490; PubMed 23447401.

NM_002691.4(POLD1):c.268del (p.Gln90fs)

Gene: POLD1 (DNA polymerase delta 1, catalytic subunit; plus strand). Cytogenetic location: 19q13.33.
Variant type: Deletion.
Coding change: c.268del on transcript NM_002691.4 (MANE Select); coding-DNA position 268, one base deleted (C; older notation c.268delC).
Protein change: p.Gln90fs; shifts the reading frame from glutamine 90.
Molecular consequence: frameshift variant. On other transcripts: non-coding transcript variant (1).
Genome position (GRCh38, 1-based): chr19:50,399,436, C deleted; the last of 5 consecutive C bases (chr19:50,399,432-50,399,436); deleting any one gives the same sequence. VCF-style (leftmost placement, unchanged base first): chr19-50399431-AC-A. GRCh37 (hg19) VCF-style: chr19-50902688-AC-A.
Other names: c.268del, p.Gln90fs (NM_001256849.1, NM_001308632.1); short protein forms Q90fs.
Identifiers: ClinVar variation 1485203 (VCV001485203.8), dbSNP rs2122202809, ClinGen allele CA2573156644.